The following is an entry in ClinVar:

ClinVar aggregate classification (germline): Uncertain significance (1 of 4 stars; one submission).

Conditions:
Arrhythmogenic right ventricular dysplasia 5. Also called: Arrhythmogenic Right Ventricular Dysplasia/Cardiomyopathy 5; ARRHYTHMOGENIC RIGHT VENTRICULAR DYSPLASIA, FAMILIAL, 5. Identifiers: MedGen C1858379, MONDO:0011459, OMIM 604400.

Submission:

Labcorp Genetics (formerly Invitae), Labcorp
Classification: Uncertain significance for Arrhythmogenic right ventricular dysplasia 5. Last evaluated: 2024-12-19. Review status: criteria provided, single submitter. Criteria: Invitae Variant Classification Sherloc (09022015). Collection method: clinical testing. Allele origin: germline.
Comment: This sequence change affects a donor splice site in intron 4 of the TMEM43 gene. It is expected to disrupt RNA splicing. Variants that disrupt the donor or acceptor splice site typically lead to a loss of protein function (PMID: 16199547), however the current clinical and genetic evidence is not sufficient to establish whether loss-of-function variants in TMEM43 cause disease. This variant is not present in population databases (gnomAD no frequency). This variant has not been reported in the literature in individuals affected with TMEM43-related conditions. Algorithms developed to predict the effect of sequence changes on RNA splicing suggest that this variant may disrupt the consensus splice site. In summary, the available evidence is currently insufficient to determine the role of this variant in disease. Therefore, it has been classified as a Variant of Uncertain Significance.

Literature cited by the submitters: PubMed 16199547.

NM_024334.3(TMEM43):c.392+1G>C

Gene: TMEM43 (transmembrane protein 43; plus strand). Cytogenetic location: 3p25.1.
Variant type: single nucleotide variant.
Coding change: c.392+1G>C on transcript NM_024334.3 (MANE Select); the canonical splice donor site of the intron after coding-DNA position 392, G replaced by C.
Molecular consequence: splice donor variant.
Genome position (GRCh38, 1-based): chr3:14,131,675, G>C. VCF-style: chr3-14131675-G-C. GRCh37 (hg19) VCF-style: chr3-14173175-G-C.
Other names: c.392+1G>C (NM_001407274.1, NM_001407276.1, NM_001407275.1 and 2 more transcripts); c.377+1G>C (NM_001407278.1); c.242+1G>C (NM_001407280.1).
Identifiers: ClinVar variation 3727671 (VCV003727671.2).
Genomic context (GRCh38, chr3:14,131,675, plus strand): 5'-GGCTGTGAAACTGCGGAGGCACGTGGAGATGTACCAATGGGTAGAAACTGAGGAGTCCAG[G>C]TGAGCTGTTGGGGTGAAAACTCTGTTGGGGTAAAGGAGGAGTGAAGTGTAGGTGTCAGGA-3'